The following is an entry in ClinVar:

ClinVar aggregate classification (germline): Likely benign (0 of 4 stars; one submission).

Conditions:
NLRP14-related disorder. Also called: NLRP14-related condition.

Allele frequency attached by ClinVar (database versions not stated): gnomAD exomes 0.00032; gnomAD 0.00072; TOPMed 0.00083; ExAC 0.00153; 1000 Genomes Project 0.00339; 1000 Genomes Project 30x 0.00359.
gnomAD v4.1: 663 of 1,612,256 alleles (0.041%); highest among the groups gnomAD compares: East Asian, 1.2%; 11 homozygotes.

Submission:

PreventionGenetics, part of Exact Sciences
Classification: Likely benign for NLRP14-related condition. Last evaluated: 2019-02-28. Review status: no assertion criteria provided. Collection method: clinical testing. Allele origin: germline.
Comment: This variant is classified as likely benign based on ACMG/AMP sequence variant interpretation guidelines (Richards et al. 2015 PMID: 25741868, with internal and published modifications).

NM_176822.4(NLRP14):c.2249G>A (p.Cys750Tyr)

Gene: NLRP14 (NLR family pyrin domain containing 14; plus strand). Cytogenetic location: 11p15.4.
Variant type: single nucleotide variant.
Coding change: c.2249G>A on transcript NM_176822.4 (MANE Select); coding-DNA position 2249, G replaced by A.
Protein change: p.Cys750Tyr; replaces cysteine 750 with tyrosine.
Molecular consequence: missense variant.
Genome position (GRCh38, 1-based): chr11:7,049,796, G>A. VCF-style: chr11-7049796-G-A. GRCh37 (hg19) VCF-style: chr11-7071027-G-A.
Other names: short protein forms C750Y.
Identifiers: ClinVar variation 3037995 (VCV003037995.2), dbSNP rs186983128, ClinGen allele CA5865005.